The following is an entry in ClinVar:

NM_004984.4(KIF5A):c.1656C>T (p.Asn552=)

Gene: KIF5A (kinesin family member 5A; plus strand). Cytogenetic location: 12q13.3.
Variant type: single nucleotide variant.
Coding change: c.1656C>T on transcript NM_004984.4 (MANE Select); coding-DNA position 1656, C replaced by T.
Protein change: p.Asn552=; no amino-acid change (asparagine 552 retained).
Molecular consequence: synonymous variant.
Genome position (GRCh38, 1-based): chr12:57,572,666, C>T. VCF-style: chr12-57572666-C-T. GRCh37 (hg19) VCF-style: chr12-57966449-C-T.
Other names: p.Asn552=; c.1389C>T, p.Asn463= (NM_001354705.2).
Identifiers: ClinVar variation 697357 (VCV000697357.12), dbSNP rs776685173, ClinGen allele CA6652892.
Genomic context (GRCh38, chr12:57,572,666, plus strand): 5'-GTTGCAGCGGCTACAGGAGGTCAGTGGACACCAGCGAAAACGAATTGCTGAGGTGCTGAA[C>T]GGGCTGATGAAGGATCTGAGCGAGTTCAGTGTCATTGTGGGCAACGGGGAGATTAAGCTG-3'
Protein context (NP_004975.2, residues 542-562): HQRKRIAEVL[Asn552=]GLMKDLSEFS

ClinVar aggregate classification (germline): Likely benign. Review status: criteria provided, multiple submitters, no conflicts (2 of 4 stars). 5 submissions from 5 submitters: Likely benign (5). Last evaluated 2026-06-27.

Conditions:
KIF5A-related disorder. Also called: KIF5A-related disorders; KIF5A-related condition.
Spastic paraplegia. Identifiers: MedGen C0037772, HP:0001258.

Allele frequency attached by ClinVar (database versions not stated): ExAC 0.00005; gnomAD exomes 0.00015; TOPMed 0.00032; gnomAD 0.00048 and 0.00051.
gnomAD v4.1: 217 of 1,614,030 alleles (0.013%); highest among the groups gnomAD compares: Admixed American, 0.17%; 1 homozygote.

Submissions (5):

PreventionGenetics, part of Exact Sciences
Classification: Likely benign for KIF5A-related condition. Last evaluated: 2026-06-27. Review status: criteria provided, single submitter. Criteria: ACMG Guidelines, 2015. Collection method: clinical testing. Allele origin: germline.
Comment: This variant is classified as likely benign based on ACMG/AMP sequence variant interpretation guidelines (Richards et al. 2015 PMID: 25741868, with internal and published modifications).

Labcorp Genetics (formerly Invitae), Labcorp
Classification: Likely benign for Spastic paraplegia. Last evaluated: 2025-12-31. Review status: criteria provided, single submitter. Criteria: Invitae Variant Classification Sherloc (09022015). Collection method: clinical testing. Allele origin: germline.

Mayo Clinic Laboratories, Mayo Clinic
Classification: Likely benign. Last evaluated: 2025-04-11. Review status: criteria provided, single submitter. Criteria: ACMG Guidelines, 2015. Collection method: clinical testing. Allele origin: germline. Observed: 1 variant allele.
Comment: BS2, BP4, BP7

ARUP Laboratories, Molecular Genetics and Genomics, ARUP Laboratories
Classification: Likely benign. Last evaluated: 2025-02-13. Review status: criteria provided, single submitter. Criteria: ARUP Molecular Germline Variant Investigation Process 2024. Collection method: clinical testing. Allele origin: germline.

Breakthrough Genomics
Classification: Likely benign. Review status: criteria provided, single submitter. Criteria: ACMG Guidelines, 2015. Collection method: not provided. Allele origin: germline. Inheritance: Autosomal dominant inheritance. Affected: yes.